The following is an entry in ClinVar:

NM_178526.5(SLC25A42):c.329C>T (p.Ala110Val)

Gene: SLC25A42 (solute carrier family 25 member 42; plus strand). Cytogenetic location: 19p13.11.
Variant type: single nucleotide variant.
Coding change: c.329C>T on transcript NM_178526.5 (MANE Select); coding-DNA position 329, C replaced by T.
Protein change: p.Ala110Val; replaces alanine 110 with valine.
Molecular consequence: missense variant.
Genome position (GRCh38, 1-based): chr19:19,105,676, C>T. VCF-style: chr19-19105676-C-T. GRCh37 (hg19) VCF-style: chr19-19216485-C-T.
Other names: c.329C>T, p.Ala110Val (NM_001321544.2); short protein forms A110V.
Identifiers: ClinVar variation 1386162 (VCV001386162.6), dbSNP rs776738600, ClinGen allele CA9321432.
Genomic context (GRCh38, chr19:19,105,676, plus strand): 5'-GGCGCGGGAACTCGGCCACCATGGTGCGCGTGGTGCCCTACGCCGCCATCCAGTTCAGCG[C>T]ACACGAGGAGTACAAGCGCATCCTGGGCAGCTACTATGGCTTCCGTGGAGAGTGAGGCCC-3'
Protein context (NP_848621.2, residues 100-120): VVPYAAIQFS[Ala110Val]HEEYKRILGS

ClinVar aggregate classification (germline): Uncertain significance. Review status: criteria provided, multiple submitters, no conflicts (2 of 4 stars). 2 submissions from 2 submitters: Uncertain significance (2). Last evaluated 2022-10-05.

Allele frequency attached by ClinVar (database versions not stated): gnomAD 0.00002 and 0.00003; gnomAD exomes 0.00002 and 0.00004; ExAC 0.00005; TOPMed 0.00005.
gnomAD v4.1: 32 of 1,612,870 alleles (0.002%); highest among the groups gnomAD compares: Admixed American, 0.01%; no homozygotes.

Submissions (2):

Labcorp Genetics (formerly Invitae), Labcorp
Classification: Uncertain significance. Last evaluated: 2022-10-05. Review status: criteria provided, single submitter. Criteria: Invitae Variant Classification Sherloc (09022015). Collection method: clinical testing. Allele origin: germline.
Comment: This sequence change replaces alanine, which is neutral and non-polar, with valine, which is neutral and non-polar, at codon 110 of the SLC25A42 protein (p.Ala110Val). This variant is present in population databases (rs776738600, gnomAD 0.01%). This variant has not been reported in the literature in individuals affected with SLC25A42-related conditions. ClinVar contains an entry for this variant (Variation ID: 1386162). Advanced modeling of protein sequence and biophysical properties (such as structural, functional, and spatial information, amino acid conservation, physicochemical variation, residue mobility, and thermodynamic stability) performed at Invitae indicates that this missense variant is not expected to disrupt SLC25A42 protein function. In summary, the available evidence is currently insufficient to determine the role of this variant in disease. Therefore, it has been classified as a Variant of Uncertain Significance.

Blueprint Genetics
Classification: Uncertain significance. Last evaluated: 2022-08-09. Review status: criteria provided, single submitter. Criteria: ACMG Guidelines, 2015. Collection method: clinical testing. Allele origin: germline.